The following is an entry in ClinVar:

NM_022552.5(DNMT3A):c.2476A>G (p.Lys826Glu)

Gene: DNMT3A (DNA methyltransferase 3 alpha; minus strand). Cytogenetic location: 2p23.3.
Variant type: single nucleotide variant.
Coding change: c.2476A>G on transcript NM_022552.5 (MANE Select); coding-DNA position 2476, A replaced by G.
Protein change: p.Lys826Glu; replaces lysine 826 with glutamic acid.
Molecular consequence: missense variant. On other transcripts: non-coding transcript variant (1).
Genome position (GRCh38, 1-based): chr2:25,236,938, T>C on the plus strand (A>G on the coding strand, the complement: DNMT3A is on the minus strand). VCF-style: chr2-25236938-T-C. GRCh37 (hg19) VCF-style: chr2-25459807-T-C.
Other names: c.2020A>G, p.Lys674Glu (NM_001320893.1); c.1807A>G, p.Lys603Glu (NM_001375819.1); c.1909A>G, p.Lys637Glu (NM_153759.3); c.2476A>G, p.Lys826Glu (NM_175629.2); short protein forms K637E, K603E, K674E, K826E.
Identifiers: ClinVar variation 4986303 (VCV004986303.1).

ClinVar aggregate classification (germline): Uncertain significance (1 of 4 stars; one submission).

Conditions:
DNMT3A-related disorder. Also called: DNMT3A-related condition; DNMT3A-related disorders.

Submission:

PreventionGenetics, part of Exact Sciences
Classification: Uncertain significance for DNMT3A-related condition. Last evaluated: 2026-08-19. Review status: criteria provided, single submitter. Criteria: ACMG Guidelines, 2015. Collection method: clinical testing. Allele origin: germline.
Comment: The DNMT3A c.2476A>G variant is predicted to result in the amino acid substitution p.Lys826Glu. To our knowledge, this variant has not been reported in the literature or in a large population database (gnomAD), indicating this variant is rare. At this time, the clinical significance of this variant is uncertain due to the absence of conclusive functional and genetic evidence.